The following is an entry in ClinVar:

NC_000003.12:g.158684526del

Gene: GFM1 (G elongation factor mitochondrial 1; plus strand). Cytogenetic location: 3q25.32.
Variant type: Deletion.
Genome position: GRCh38 VCF-style: chr3-158684522-AG-A. GRCh37 (hg19) VCF-style: chr3-158402311-AG-A.
Identifiers: ClinVar variation 1367313 (VCV001367313.6), dbSNP rs2108102433, ClinGen allele CA2573136691.

ClinVar aggregate classification (germline): Pathogenic (1 of 4 stars; one submission).

Submission:

Labcorp Genetics (formerly Invitae), Labcorp
Classification: Pathogenic. Last evaluated: 2021-03-24. Review status: criteria provided, single submitter. Criteria: Invitae Variant Classification Sherloc (09022015). Collection method: clinical testing. Allele origin: germline.
Comment: For these reasons, this variant has been classified as Pathogenic. This variant has not been reported in the literature in individuals with GFM1-related conditions. This variant is not present in population databases (ExAC no frequency). This sequence change creates a premature translational stop signal (p.Leu591*) in the GFM1 gene. It is expected to result in an absent or disrupted protein product. Loss-of-function variants in GFM1 are known to be pathogenic (PMID: 16632485, 17160893).

Literature cited by the submitters: PubMed 16632485; PubMed 17160893.